The following is an entry in ClinVar:

ClinVar aggregate classification (germline): Uncertain significance (1 of 4 stars; one submission).

Conditions:
Cryptosporidiosis-chronic cholangitis-liver disease syndrome. Also called: Immunodeficiency type 56; IL21R immunodeficiency. Identifiers: Orphanet 357329, MedGen C3554687, MONDO:0014082, OMIM 615207.

Allele frequency attached by ClinVar (database versions not stated): gnomAD exomes below 0.00001.

Submission:

Labcorp Genetics (formerly Invitae), Labcorp
Classification: Uncertain significance for Cryptosporidiosis-chronic cholangitis-liver disease syndrome. Last evaluated: 2023-09-05. Review status: criteria provided, single submitter. Criteria: Invitae Variant Classification Sherloc (09022015). Collection method: clinical testing. Allele origin: germline.
Comment: In summary, the available evidence is currently insufficient to determine the role of this variant in disease. Therefore, it has been classified as a Variant of Uncertain Significance. Advanced modeling of protein sequence and biophysical properties (such as structural, functional, and spatial information, amino acid conservation, physicochemical variation, residue mobility, and thermodynamic stability) performed at Invitae indicates that this missense variant is not expected to disrupt IL21R protein function. This variant has not been reported in the literature in individuals affected with IL21R-related conditions. This variant is not present in population databases (gnomAD no frequency). This sequence change replaces proline, which is neutral and non-polar, with leucine, which is neutral and non-polar, at codon 21 of the IL21R protein (p.Pro21Leu).

NM_181078.3(IL21R):c.62C>T (p.Pro21Leu)

Gene: IL21R (interleukin 21 receptor; plus strand). Cytogenetic location: 16p12.1.
Variant type: single nucleotide variant.
Coding change: c.62C>T on transcript NM_181078.3 (MANE Select); coding-DNA position 62, C replaced by T.
Protein change: p.Pro21Leu; replaces proline 21 with leucine.
Molecular consequence: missense variant.
Genome position (GRCh38, 1-based): chr16:27,434,359, C>T. VCF-style: chr16-27434359-C-T. GRCh37 (hg19) VCF-style: chr16-27445680-C-T.
Other names: c.62C>T, p.Pro21Leu (NM_021798.4); c.128C>T, p.Pro43Leu (NM_181079.5); short protein forms P21L, P43L.
Identifiers: ClinVar variation 2756648 (VCV002756648.3), dbSNP rs2543355890, ClinGen allele CA395298396.